The following is an entry in ClinVar:

NM_003719.5(PDE8B):c.1299G>A (p.Leu433=)

Gene: PDE8B (phosphodiesterase 8B; plus strand). Cytogenetic location: 5q13.3.
Variant type: single nucleotide variant.
Coding change: c.1299G>A on transcript NM_003719.5 (MANE Select); coding-DNA position 1299, G replaced by A.
Protein change: p.Leu433=; no amino-acid change (leucine 433 retained).
Molecular consequence: synonymous variant.
Genome position (GRCh38, 1-based): chr5:77,407,391, G>A. VCF-style: chr5-77407391-G-A. GRCh37 (hg19) VCF-style: chr5-76703216-G-A.
Other names: c.1158G>A, p.Leu386= (NM_001029854.4); c.1296G>A, p.Leu432= (NM_001349748.3, NM_001349751.3); c.1362G>A, p.Leu454= (NM_001349749.3); c.1059G>A, p.Leu353= (NM_001349750.3); c.993G>A, p.Leu331= (NM_001349752.3); c.927G>A, p.Leu309= (NM_001349753.2, NM_001376067.1, NM_001376068.1); c.996G>A, p.Leu332= (NM_001376062.1, NM_001376072.1); c.1290G>A, p.Leu430= (NM_001376063.1); and 12 more.
Identifiers: ClinVar variation 354159 (VCV000354159.12), dbSNP rs376289812, ClinGen allele CA3315234.

ClinVar aggregate classification (germline): Benign/Likely benign. Review status: criteria provided, multiple submitters, no conflicts (2 of 4 stars). 3 submissions from 3 submitters: Benign (1); Likely benign (2). Last evaluated 2025-12-29.

Conditions:
PDE8B-related disorder. Also called: PDE8B-related condition.
Autosomal dominant striatal neurodegeneration type 1. Identifiers: Orphanet 228169, MedGen C4310808, MONDO:0012205, OMIM 609161.

Allele frequency attached by ClinVar (database versions not stated): ESP Exome Variant Server 0.00008; gnomAD 0.00010; gnomAD exomes 0.00010; ExAC 0.00013; 1000 Genomes Project 30x 0.00016; TOPMed 0.00018; 1000 Genomes Project 0.00020.
gnomAD v4.1: 76 of 1,613,984 alleles (0.0047%); highest among the groups gnomAD compares: Admixed American, 0.037%; 1 homozygote.

Submissions (3):

PreventionGenetics, part of Exact Sciences
Classification: Likely benign for PDE8B-related condition. Last evaluated: 2025-12-29. Review status: criteria provided, single submitter. Criteria: ACMG Guidelines, 2015. Collection method: clinical testing. Allele origin: germline.
Comment: This variant is classified as likely benign based on ACMG/AMP sequence variant interpretation guidelines (Richards et al. 2015 PMID: 25741868, with internal and published modifications).

Labcorp Genetics (formerly Invitae), Labcorp
Classification: Likely benign. Last evaluated: 2025-08-06. Review status: criteria provided, single submitter. Criteria: Invitae Variant Classification Sherloc (09022015). Collection method: clinical testing. Allele origin: germline.

Illumina Laboratory Services, Illumina
Classification: Benign for Autosomal dominant striatal neurodegeneration type 1. Last evaluated: 2018-01-12. Review status: criteria provided, single submitter. Criteria: ICSL Variant Classification Criteria 13 December 2019. Collection method: clinical testing. Allele origin: germline.
Comment: This variant was observed in the ICSL laboratory as part of a predisposition screen in an ostensibly healthy population. It had not been previously curated by ICSL or reported in the Human Gene Mutation Database (HGMD: prior to June 1st, 2018), and was therefore a candidate for classification through an automated scoring system. Utilizing variant allele frequency, disease prevalence and penetrance estimates, and inheritance mode, an automated score was calculated to assess if this variant is too frequent to cause the disease. Based on the score and internal cut-off values, a variant classified as benign is not then subjected to further curation. The score for this variant resulted in a classification of benign for this disease.